The following is an entry in ClinVar:

ClinVar aggregate classification (germline): Uncertain significance (1 of 4 stars; one submission).

Conditions:
Carney complex, type 1 (CNC1). Also called: CARNEY MYXOMA-ENDOCRINE COMPLEX; CARNEY COMPLEX, TYPE I. Identifiers: Orphanet 1359, MedGen C2607929, MONDO:0008057, OMIM 160980.

Submission:

Labcorp Genetics (formerly Invitae), Labcorp
Classification: Uncertain significance for Carney complex, type 1. Last evaluated: 2023-10-15. Review status: criteria provided, single submitter. Criteria: Invitae Variant Classification Sherloc (09022015). Collection method: clinical testing. Allele origin: germline.
Comment: This sequence change replaces alanine, which is neutral and non-polar, with valine, which is neutral and non-polar, at codon 111 of the PRKAR1A protein (p.Ala111Val). This variant is not present in population databases (gnomAD no frequency). This variant has not been reported in the literature in individuals affected with PRKAR1A-related conditions. Advanced modeling of protein sequence and biophysical properties (such as structural, functional, and spatial information, amino acid conservation, physicochemical variation, residue mobility, and thermodynamic stability) performed at Invitae indicates that this missense variant is not expected to disrupt PRKAR1A protein function. Algorithms developed to predict the effect of sequence changes on RNA splicing suggest that this variant may create or strengthen a splice site. In summary, the available evidence is currently insufficient to determine the role of this variant in disease. Therefore, it has been classified as a Variant of Uncertain Significance.

NM_002734.5(PRKAR1A):c.332C>T (p.Ala111Val)

Gene: PRKAR1A (protein kinase cAMP-dependent type I regulatory subunit alpha; plus strand). Cytogenetic location: 17q24.2.
Variant type: single nucleotide variant.
Coding change: c.332C>T on transcript NM_002734.5 (MANE Select); coding-DNA position 332, C replaced by T.
Protein change: p.Ala111Val; replaces alanine 111 with valine.
Molecular consequence: missense variant.
Genome position (GRCh38, 1-based): chr17:68,522,910, C>T. VCF-style: chr17-68522910-C-T. GRCh37 (hg19) VCF-style: chr17-66519051-C-T.
Other names: c.332C>T, p.Ala111Val (NM_001276289.2, NM_001276290.1, NM_001278433.2 and 4 more transcripts); short protein forms A111V.
Identifiers: ClinVar variation 2780070 (VCV002780070.3), dbSNP rs2143275498, ClinGen allele CA400752492.